The following is an entry in ClinVar:

NM_005120.3(MED12):c.6189G>A (p.Gln2063=)

Gene: MED12 (mediator complex subunit 12; plus strand). Cytogenetic location: Xq13.1.
Variant type: single nucleotide variant.
Coding change: c.6189G>A on transcript NM_005120.3 (MANE Select); coding-DNA position 6189, G replaced by A.
Protein change: p.Gln2063=; no amino-acid change (glutamine 2063 retained).
Molecular consequence: synonymous variant.
Genome position (GRCh38, 1-based): chrX:71,140,779, G>A. VCF-style: chrX-71140779-G-A. GRCh37 (hg19) VCF-style: chrX-70360629-G-A.
Identifiers: ClinVar variation 2450605 (VCV002450605.6), dbSNP rs1271011646, ClinGen allele CA516728079.
Genomic context (GRCh38, chrX:71,140,779, plus strand): 5'-TTCAACAGCCATCCTACCTGAGCAGCAGCAGCAGCAGCAACAGCAGCAACAGCAACAGCA[G>A]CAGCAGCAGCAACAGCAACAGCAGCAGCAGCAGCAGCAGTACCACATCCGGCAGCAGCAG-3'
Protein context (NP_005111.2, residues 2053-2073): QQQQQQQQQQ[Gln2063=]QQQQQQQQQQ

ClinVar aggregate classification (germline): Likely benign. Review status: criteria provided, multiple submitters, no conflicts (2 of 4 stars). 2 submissions from 2 submitters: Likely benign (2). Last evaluated 2026-01-01.

Conditions:
Familial thoracic aortic aneurysm and aortic dissection (TAAD). Also called: Thoracic aortic aneurysms and dissections. Identifiers: Orphanet 91387, MedGen C4707243, MONDO:0019625.

Submissions (2):

CeGaT Center for Human Genetics Tuebingen
Classification: Likely benign. Last evaluated: 2026-01-01. Review status: criteria provided, single submitter. Criteria: CeGaT Center For Human Genetics Tuebingen Variant Classification Criteria Version 2. Collection method: clinical testing. Allele origin: germline. Affected: yes. Observed: 1 variant allele.
Comment: MED12: PM2:Supporting, BP4, BP7

Ambry Genetics
Classification: Likely benign for Familial thoracic aortic aneurysm and aortic dissection. Last evaluated: 2023-01-12. Review status: criteria provided, single submitter. Criteria: Ambry Variant Classification Scheme 2023. Collection method: clinical testing. Allele origin: germline.